The following is an entry in ClinVar:

ClinVar aggregate classification (germline): Uncertain significance (1 of 4 stars; one submission).

Submission:

GeneDx
Classification: Uncertain significance. Last evaluated: 2024-05-22. Review status: criteria provided, single submitter. Criteria: GeneDx Variant Classification Process June 2021. Collection method: clinical testing. Allele origin: germline. Affected: yes.
Comment: Not observed at significant frequency in large population cohorts (gnomAD); In silico analysis indicates that this missense variant does not alter protein structure/function; Has not been previously published as pathogenic or benign to our knowledge

NM_005121.3(MED13):c.3493G>A (p.Ala1165Thr)

Gene: MED13 (mediator complex subunit 13; minus strand). Cytogenetic location: 17q23.2.
Variant type: single nucleotide variant.
Coding change: c.3493G>A on transcript NM_005121.3 (MANE Select); coding-DNA position 3493, G replaced by A.
Protein change: p.Ala1165Thr; replaces alanine 1165 with threonine.
Molecular consequence: missense variant.
Genome position (GRCh38, 1-based): chr17:61,982,510, C>T on the plus strand (G>A on the coding strand, the complement: MED13 is on the minus strand). VCF-style: chr17-61982510-C-T. GRCh37 (hg19) VCF-style: chr17-60059871-C-T.
Other names: short protein forms A1165T.
Identifiers: ClinVar variation 3381431 (VCV003381431.1).
Genomic context (GRCh38, chr17:61,982,510, plus strand): 5'-ATAATTTTTCAGATTCCTTTAGTCCTCCATTAACATGTTCAGCAGAGGTAGCCCTGAGAG[C>T]TTCAAAACGTTTTTCTGCTTCTTTGCCACAGTCTGTATTGCGTCCTATGATATCTAGTTC-3'
Protein context (NP_005112.2, residues 1155-1175): CGKEAEKRFE[Ala1165Thr]LRATSAEHVN